The following is an entry in ClinVar:

NM_000452.3(SLC10A2):c.869C>T (p.Pro290Leu)

Gene: SLC10A2 (solute carrier family 10 member 2; minus strand). Cytogenetic location: 13q33.1.
Variant type: single nucleotide variant.
Coding change: c.869C>T on transcript NM_000452.3 (MANE Select); coding-DNA position 869, C replaced by T.
Protein change: p.Pro290Leu; replaces proline 290 with leucine.
Molecular consequence: missense variant.
Genome position (GRCh38, 1-based): chr13:103,049,339, G>A on the plus strand (C>T on the coding strand, the complement: SLC10A2 is on the minus strand). VCF-style: chr13-103049339-G-A. GRCh37 (hg19) VCF-style: chr13-103701689-G-A.
Other names: short protein forms P290L.
Identifiers: ClinVar variation 596444 (VCV000596444.9), dbSNP rs139024168, ClinGen allele CA7042013.

ClinVar aggregate classification (germline): Uncertain significance. Review status: criteria provided, multiple submitters, no conflicts (2 of 4 stars). 2 submissions from 2 submitters: Uncertain significance (2). Last evaluated 2025-10-31.

Allele frequency attached by ClinVar (database versions not stated): TOPMed 0.00010; 1000 Genomes Project 30x 0.00016; 1000 Genomes Project 0.00020; ESP Exome Variant Server 0.00023.
gnomAD v4.1: 111 of 1,613,952 alleles (0.0069%); highest among the groups gnomAD compares: Admixed American, 0.023%; 1 homozygote.

Submissions (2):

Labcorp Genetics (formerly Invitae), Labcorp
Classification: Uncertain significance. Last evaluated: 2025-10-31. Review status: criteria provided, single submitter. Criteria: Invitae Variant Classification Sherloc (09022015). Collection method: clinical testing. Allele origin: germline.
Comment: This sequence change replaces proline, which is neutral and non-polar, with leucine, which is neutral and non-polar, at codon 290 of the SLC10A2 protein (p.Pro290Leu). This variant is present in population databases (rs139024168, gnomAD 0.02%). This variant has not been reported in the literature in individuals affected with SLC10A2-related conditions. ClinVar contains an entry for this variant (Variation ID: 596444). Invitae Evidence Modeling of protein sequence and biophysical properties (such as structural, functional, and spatial information, amino acid conservation, physicochemical variation, residue mobility, and thermodynamic stability) has been performed for this missense variant. However, the output from this modeling did not meet the statistical confidence thresholds required to predict the impact of this variant on SLC10A2 protein function. In summary, the available evidence is currently insufficient to determine the role of this variant in disease. Therefore, it has been classified as a Variant of Uncertain Significance.

Eurofins Ntd Llc (ga)
Classification: Uncertain significance. Last evaluated: 2018-03-09. Review status: criteria provided, single submitter. Criteria: EGL ClinVar v180209 classification definitions. Collection method: clinical testing. Allele origin: germline. Observed: 1 variant allele, 1 heterozygote.